The following is an entry in ClinVar:

ClinVar aggregate classification (germline): Uncertain significance (1 of 4 stars; one submission).

Submission:

Labcorp Genetics (formerly Invitae), Labcorp
Classification: Uncertain significance. Last evaluated: 2022-07-10. Review status: criteria provided, single submitter. Criteria: Invitae Variant Classification Sherloc (09022015). Collection method: clinical testing. Allele origin: germline.
Comment: In summary, the available evidence is currently insufficient to determine the role of this variant in disease. Therefore, it has been classified as a Variant of Uncertain Significance. Algorithms developed to predict the effect of missense changes on protein structure and function output the following: SIFT: "Not Available"; PolyPhen-2: "Benign"; Align-GVGD: "Not Available". The glutamic acid amino acid residue is found in multiple mammalian species, which suggests that this missense change does not adversely affect protein function. This variant has not been reported in the literature in individuals affected with FBN3-related conditions. This variant is not present in population databases (gnomAD no frequency). This sequence change replaces aspartic acid, which is acidic and polar, with glutamic acid, which is acidic and polar, at codon 798 of the FBN3 protein (p.Asp798Glu).

NM_032447.5(FBN3):c.2394C>G (p.Asp798Glu)

Gene: FBN3 (fibrillin 3; minus strand). Cytogenetic location: 19p13.2.
Variant type: single nucleotide variant.
Coding change: c.2394C>G on transcript NM_032447.5 (MANE Select); coding-DNA position 2394, C replaced by G.
Protein change: p.Asp798Glu; replaces aspartic acid 798 with glutamic acid.
Molecular consequence: missense variant.
Genome position (GRCh38, 1-based): chr19:8,126,735, G>C on the plus strand (C>G on the coding strand, the complement: FBN3 is on the minus strand). VCF-style: chr19-8126735-G-C. GRCh37 (hg19) VCF-style: chr19-8191619-G-C.
Other names: c.2394C>G, p.Asp798Glu (NM_001321431.2); short protein forms D798E.
Identifiers: ClinVar variation 2048275 (VCV002048275.4), dbSNP rs199916243, ClinGen allele CA403698508.